The following is an entry in ClinVar:

NM_000489.6(ATRX):c.655C>A (p.Gln219Lys)

Gene: ATRX (ATRX chromatin remodeler; minus strand). Cytogenetic location: Xq21.1.
Variant type: single nucleotide variant.
Coding change: c.655C>A on transcript NM_000489.6 (MANE Select); coding-DNA position 655, C replaced by A.
Protein change: p.Gln219Lys; replaces glutamine 219 with lysine.
Molecular consequence: missense variant.
Genome position (GRCh38, 1-based): chrX:77,684,946, G>T on the plus strand (C>A on the coding strand, the complement: ATRX is on the minus strand). VCF-style: chrX-77684946-G-T. GRCh37 (hg19) VCF-style: chrX-76940438-G-T.
Other names: c.541C>A, p.Gln181Lys (NM_138270.5); short protein forms Q181K, Q219K.
Identifiers: ClinVar variation 4530219 (VCV004530219.1).

ClinVar aggregate classification (somatic clinical impact): Tier I - Strong (1 of 4 stars; one submission).

Conditions:
Diffuse midline glioma, H3 K27M-mutant. Identifiers: MedGen C4289688, MONDO:0957196.

Submission:

Institute for Genomic Medicine (IGM) Clinical Laboratory, Nationwide Children's Hospital
Classification: Tier I - Strong for Diffuse midline glioma, H3 K27M-mutant. Assertion type: diagnostic. Clinical significance: supports diagnosis. Last evaluated: 2023-09-13. Review status: criteria provided, single submitter. Criteria: AMP/ASCO/CAP Guidelines, 2017. Collection method: clinical testing. Allele origin: somatic. Affected: yes.
Comment: Variant has Tier I (strong) clinical significance as a diagnostic inclusion criterion in diffuse midline glioma, H3 K27M-mutant, based on the following evidence: 1) Documented in one or more cancer databases (e.g., St. Jude Pecan, COSMIC, CIViC, OncoKB). 2) Appears in one or more well-established professional guidelines (e.g., World Health Organization [WHO]; National Comprehensive Cancer Network [NCCN]) as providing diagnostic, prognostic, or therapeutic information. 3) Information in the literature supports potential biologic effect of variant (PMID: 21666679). 4) Diagnostic for a specific tumor type/classification based on well-powered studies with expert-level consensus (Evidence Level B; PMIDs: 24705251, 28966033, 22661320, 25230881, 26517431).

Literature cited by the submitters: PubMed 21666679; PubMed 24705251; PubMed 28966033; PubMed 22661320; PubMed 25230881; PubMed 26517431.